The following is an entry in ClinVar:

NM_004172.5(SLC1A3):c.35G>C (p.Gly12Ala)

Gene: SLC1A3 (solute carrier family 1 member 3; plus strand). Cytogenetic location: 5p13.2.
Variant type: single nucleotide variant.
Coding change: c.35G>C on transcript NM_004172.5 (MANE Select); coding-DNA position 35, G replaced by C.
Protein change: p.Gly12Ala; replaces glycine 12 with alanine.
Molecular consequence: missense variant.
Genome position (GRCh38, 1-based): chr5:36,608,458, G>C. VCF-style: chr5-36608458-G-C. GRCh37 (hg19) VCF-style: chr5-36608560-G-C.
Other names: c.35G>C, p.Gly12Ala (NM_001166695.3, NM_001166696.3, NM_001289939.2 and 1 more transcripts); short protein forms G12A.
Identifiers: ClinVar variation 3796758 (VCV003796758.2).

ClinVar aggregate classification (germline): Uncertain significance. Review status: criteria provided, multiple submitters, no conflicts (2 of 4 stars). 2 submissions from 2 submitters: Uncertain significance (2). Last evaluated 2025-07-29.

Conditions:
Inborn genetic diseases. Identifiers: MedGen C0950123, MeSH D030342.

gnomAD v4.1: 26 of 1,613,932 alleles (0.0016%); highest among the groups gnomAD compares: Admixed American, 0.035%; no homozygotes.

Submissions (2):

Labcorp Genetics (formerly Invitae), Labcorp
Classification: Uncertain significance. Last evaluated: 2025-07-29. Review status: criteria provided, single submitter. Criteria: Invitae Variant Classification Sherloc (09022015). Collection method: clinical testing. Allele origin: germline.
Comment: This sequence change replaces glycine, which is neutral and non-polar, with alanine, which is neutral and non-polar, at codon 12 of the SLC1A3 protein (p.Gly12Ala). This variant is present in population databases (no rsID available, gnomAD 0.02%). This variant has not been reported in the literature in individuals affected with SLC1A3-related conditions. ClinVar contains an entry for this variant (Variation ID: 3796758). An algorithm developed to predict the effect of missense changes on protein structure and function (PolyPhen-2) suggests that this variant is likely to be tolerated. In summary, the available evidence is currently insufficient to determine the role of this variant in disease. Therefore, it has been classified as a Variant of Uncertain Significance.

Ambry Genetics
Classification: Uncertain significance for Inborn genetic diseases. Last evaluated: 2025-02-12. Review status: criteria provided, single submitter. Criteria: Ambry Variant Classification Scheme 2023. Collection method: clinical testing. Allele origin: germline.